The following is an entry in ClinVar:

ClinVar aggregate classification (germline): Uncertain significance (1 of 4 stars; one submission).

Conditions:
Oto-palato-digital syndrome, type II (OPD2). Also called: Otopalatodigital Syndrome Type 2 (FLNA-OPD2); FACIOPALATOOSSEOUS SYNDROME; OPD II SYNDROME; Otopalatodigital Syndrome, Type II. Identifiers: Orphanet 669, Orphanet 90652, MedGen C1844696, MONDO:0010571, OMIM 304120.
Heterotopia, periventricular, X-linked dominant (PVNH1). Also called: PERIVENTRICULAR NODULAR HETEROTOPIA 1; X-linked periventricular heterotopia; PERIVENTRICULAR NODULAR HETEROTOPIA 4; HETEROTOPIA, PERIVENTRICULAR, 1. Identifiers: Orphanet 2149, Orphanet 82004, MedGen C1848213, MONDO:0010233, OMIM 300049.
Melnick-Needles syndrome (MNS). Also called: Melnick-Needles Syndrome (FLNA-MNS); MELNICK-NEEDLES OSTEODYSPLASTY; OSTEODYSPLASTY OF MELNICK AND NEEDLES. Identifiers: Orphanet 2484, MedGen C0025237, MONDO:0010650, OMIM 309350.
Frontometaphyseal dysplasia (FMD1). Identifiers: Orphanet 1826, MedGen C0265293, MONDO:0015942.

Allele frequency attached by ClinVar (database versions not stated): gnomAD exomes 0.00001.

Submission:

Labcorp Genetics (formerly Invitae), Labcorp
Classification: Uncertain significance for Oto-palato-digital syndrome, type II; Heterotopia, periventricular, X-linked dominant; Frontometaphyseal dysplasia; Melnick-Needles syndrome. Last evaluated: 2023-06-16. Review status: criteria provided, single submitter. Criteria: Invitae Variant Classification Sherloc (09022015). Collection method: clinical testing. Allele origin: germline.
Comment: In summary, the available evidence is currently insufficient to determine the role of this variant in disease. Therefore, it has been classified as a Variant of Uncertain Significance. Advanced modeling of protein sequence and biophysical properties (such as structural, functional, and spatial information, amino acid conservation, physicochemical variation, residue mobility, and thermodynamic stability) performed at Invitae indicates that this missense variant is not expected to disrupt FLNA protein function. This variant has not been reported in the literature in individuals affected with FLNA-related conditions. This variant is not present in population databases (gnomAD no frequency). This sequence change replaces serine, which is neutral and polar, with glycine, which is neutral and non-polar, at codon 2447 of the FLNA protein (p.Ser2447Gly).

NM_001110556.2(FLNA):c.7363A>G (p.Ser2455Gly)

Gene: FLNA (filamin A; minus strand). Cytogenetic location: Xq28.
Variant type: single nucleotide variant.
Coding change: c.7363A>G on transcript NM_001110556.2 (MANE Select); coding-DNA position 7363, A replaced by G.
Protein change: p.Ser2455Gly; replaces serine 2455 with glycine.
Molecular consequence: missense variant.
Genome position (GRCh38, 1-based): chrX:154,349,838, T>C on the plus strand (A>G on the coding strand, the complement: FLNA is on the minus strand). VCF-style: chrX-154349838-T-C. GRCh37 (hg19) VCF-style: chrX-153578206-T-C.
Other names: c.7339A>G, p.Ser2447Gly (NM_001456.4); short protein forms S2455G, S2447G.
Identifiers: ClinVar variation 2929520 (VCV002929520.3), dbSNP rs2522714060, ClinGen allele CA415183012.